The following is an entry in ClinVar:

ClinVar aggregate classification (germline): Uncertain significance. Review status: criteria provided, multiple submitters, no conflicts (2 of 4 stars). 2 submissions from 2 submitters: Uncertain significance (2). Last evaluated 2025-07-17.

Conditions:
Cardiovascular phenotype. Identifiers: MedGen CN230736.
Catecholaminergic polymorphic ventricular tachycardia 1. Also called: RYR2-Related Catecholaminergic Polymorphic Ventricular Tachycardia; VENTRICULAR TACHYCARDIA, STRESS-INDUCED POLYMORPHIC 1; VENTRICULAR TACHYCARDIA, CATECHOLAMINERGIC POLYMORPHIC, 1, WITH OR WITHOUT ATRIAL DYSFUNCTION AND/OR DILATED CARDIOMYOPATHY. Identifiers: Orphanet 3286, MedGen C1631597, MONDO:0011484, OMIM 604772.

Allele frequency attached by ClinVar (database versions not stated): gnomAD exomes below 0.00001; TOPMed below 0.00001.
gnomAD v4.1: 2 of 1,613,934 alleles (0.00012%); highest among the groups gnomAD compares: Non-Finnish European, 0.00017%; no homozygotes.

Submissions (2):

Ambry Genetics
Classification: Uncertain significance for Cardiovascular phenotype. Last evaluated: 2025-07-17. Review status: criteria provided, single submitter. Criteria: Ambry Variant Classification Scheme 2023. Collection method: clinical testing. Allele origin: germline.
Comment: The p.T751I variant (also known as c.2252C>T), located in coding exon 21 of the RYR2 gene, results from a C to T substitution at nucleotide position 2252. The threonine at codon 751 is replaced by isoleucine, an amino acid with similar properties. This amino acid position is not well conserved in available vertebrate species. In addition, this alteration is predicted to be tolerated by in silico analysis. Based on the available evidence, the clinical significance of this variant remains unclear.

Labcorp Genetics (formerly Invitae), Labcorp
Classification: Uncertain significance for Catecholaminergic polymorphic ventricular tachycardia 1. Last evaluated: 2022-08-24. Review status: criteria provided, single submitter. Criteria: Invitae Variant Classification Sherloc (09022015). Collection method: clinical testing. Allele origin: germline.
Comment: This variant has not been reported in the literature in individuals affected with RYR2-related conditions. This sequence change replaces threonine, which is neutral and polar, with isoleucine, which is neutral and non-polar, at codon 751 of the RYR2 protein (p.Thr751Ile). This variant is not present in population databases (gnomAD no frequency). Advanced modeling of protein sequence and biophysical properties (such as structural, functional, and spatial information, amino acid conservation, physicochemical variation, residue mobility, and thermodynamic stability) performed at Invitae indicates that this missense variant is not expected to disrupt RYR2 protein function. In summary, the available evidence is currently insufficient to determine the role of this variant in disease. Therefore, it has been classified as a Variant of Uncertain Significance.

NM_001035.3(RYR2):c.2252C>T (p.Thr751Ile)

Gene: RYR2 (ryanodine receptor 2; plus strand). Cytogenetic location: 1q43.
Variant type: single nucleotide variant.
Coding change: c.2252C>T on transcript NM_001035.3 (MANE Select); coding-DNA position 2252, C replaced by T.
Protein change: p.Thr751Ile; replaces threonine 751 with isoleucine.
Molecular consequence: missense variant.
Genome position (GRCh38, 1-based): chr1:237,500,759, C>T. VCF-style: chr1-237500759-C-T. GRCh37 (hg19) VCF-style: chr1-237664059-C-T.
Other names: c.2252C>T (NM_001035.2); short protein forms T751I.
Identifiers: ClinVar variation 1899832 (VCV001899832.6), dbSNP rs1664550145, ClinGen allele CA345393097.